The following is an entry in ClinVar:

ClinVar aggregate classification (germline): Conflicting classifications of pathogenicity. Review status: criteria provided, conflicting classifications (1 of 4 stars). 6 submissions from 6 submitters: Uncertain significance (1); Likely benign (4). 1 of the submissions does not count toward it. Last evaluated 2026-01-21.

Conditions:
Familial thoracic aortic aneurysm and aortic dissection (TAAD). Also called: Thoracic aortic aneurysms and dissections. Identifiers: Orphanet 91387, MedGen C4707243, MONDO:0019625.
Marfan syndrome (MFS). Also called: Marfan syndrome, classic; Marfan syndrome type 1; Marfan's syndrome; MARFAN SYNDROME, TYPE I; FBN1-Related Marfan Syndrome. Identifiers: Orphanet 284963, Orphanet 558, MedGen C0024796, MONDO:0007947, OMIM 154700.
FBN1-related disorder. Also called: FBN1-related disorders.

Allele frequency attached by ClinVar (database versions not stated): TOPMed 0.00002; ESP Exome Variant Server 0.00008.
gnomAD v4.1: 81 of 1,613,936 alleles (0.005%); highest among the groups gnomAD compares: Non-Finnish European, 0.0064%; no homozygotes.

Submissions (6):

Labcorp Genetics (formerly Invitae), Labcorp
Classification: Likely benign for Marfan syndrome; Familial thoracic aortic aneurysm and aortic dissection. Last evaluated: 2026-01-21. Review status: criteria provided, single submitter. Criteria: Invitae Variant Classification Sherloc (09022015). Collection method: clinical testing. Allele origin: germline.

All of Us Research Program, National Institutes of Health
Classification: Likely benign for Marfan syndrome. Last evaluated: 2023-10-06. Review status: criteria provided, single submitter. Criteria: ACMG Guidelines, 2015. Collection method: clinical testing. Allele origin: germline. Inheritance: Autosomal dominant inheritance. Observed: 9 variant alleles, 9 heterozygotes.
Comment: This study involves interpretation of variants in research participants for the purpose of population health screening. Participant phenotype was not available at the time of variant classification. Additional details can be found in publication PMID: 35346344, PMCID: PMC8962531

Ambry Genetics
Classification: Likely benign for Familial thoracic aortic aneurysm and aortic dissection. Last evaluated: 2023-09-13. Review status: criteria provided, single submitter. Criteria: Ambry Variant Classification Scheme 2023. Collection method: clinical testing. Allele origin: germline.

Color Diagnostics, LLC DBA Color Health
Classification: Likely benign for Familial thoracic aortic aneurysm and aortic dissection. Last evaluated: 2022-06-16. Review status: criteria provided, single submitter. Criteria: ACMG Guidelines, 2015. Collection method: clinical testing. Allele origin: germline.

Blueprint Genetics
Classification: Uncertain significance. Last evaluated: 2021-07-07. Review status: criteria provided, single submitter. Criteria: ACMG Guidelines, 2015. Collection method: clinical testing. Allele origin: germline.

PreventionGenetics, part of Exact Sciences
Classification: Likely benign for FBN1-related condition. Last evaluated: 2024-01-19. Review status: no assertion criteria provided. Collection method: clinical testing. Allele origin: germline. Not counted in ClinVar's aggregate classification.
Comment: This variant is classified as likely benign based on ACMG/AMP sequence variant interpretation guidelines (Richards et al. 2015 PMID: 25741868, with internal and published modifications).

NM_000138.5(FBN1):c.2952C>A (p.Val984=)

Gene: FBN1 (fibrillin 1; minus strand). Cytogenetic location: 15q21.1.
Variant type: single nucleotide variant.
Coding change: c.2952C>A on transcript NM_000138.5 (MANE Select); coding-DNA position 2952, C replaced by A.
Protein change: p.Val984=; no amino-acid change (valine 984 retained).
Molecular consequence: synonymous variant.
Genome position (GRCh38, 1-based): chr15:48,489,981, G>T on the plus strand (C>A on the coding strand, the complement: FBN1 is on the minus strand). VCF-style: chr15-48489981-G-T. GRCh37 (hg19) VCF-style: chr15-48782178-G-T.
Identifiers: ClinVar variation 406290 (VCV000406290.20), dbSNP rs374670384, ClinGen allele CA16614655.
Genomic context (GRCh38, chr15:48,489,981, plus strand): 5'-GTACTCAGGAGTATTTCTCATGGGACACTCCTCGCATTCCTCAGTACCCCAGGCTGCCCC[G>T]ACGGAGCAGCAGCAGGCGTCCATGCGGTGGCGGCCAGCAATAGGCAGGGTGCACTCCTCG-3'
Protein context (NP_000129.3, residues 974-994): RHRMDACCCS[Val984=]GAAWGTEECE